The following is an entry in ClinVar:

ClinVar aggregate classification (germline): Uncertain significance (1 of 4 stars; one submission).

Allele frequency attached by ClinVar (database versions not stated): TOPMed 0.00001.
gnomAD v4.1: 1 of 1,613,794 alleles (0.000062%); highest among the groups gnomAD compares: Non-Finnish European, 0.000085%; no homozygotes.

Submission:

Labcorp Genetics (formerly Invitae), Labcorp
Classification: Uncertain significance. Last evaluated: 2022-01-26. Review status: criteria provided, single submitter. Criteria: Invitae Variant Classification Sherloc (09022015). Collection method: clinical testing. Allele origin: germline.
Comment: In summary, the available evidence is currently insufficient to determine the role of this variant in disease. Therefore, it has been classified as a Variant of Uncertain Significance. Algorithms developed to predict the effect of missense changes on protein structure and function are either unavailable or do not agree on the potential impact of this missense change (SIFT: "Tolerated"; PolyPhen-2: "Possibly Damaging"; Align-GVGD: "Class C0"). This variant has not been reported in the literature in individuals affected with ASXL1-related conditions. This variant is not present in population databases (gnomAD no frequency). This sequence change replaces serine, which is neutral and polar, with proline, which is neutral and non-polar, at codon 1489 of the ASXL1 protein (p.Ser1489Pro).

NM_015338.6(ASXL1):c.4465T>C (p.Ser1489Pro)

Gene: ASXL1 (ASXL transcriptional regulator 1; plus strand). Cytogenetic location: 20q11.21.
Variant type: single nucleotide variant.
Coding change: c.4465T>C on transcript NM_015338.6 (MANE Select); coding-DNA position 4465, T replaced by C.
Protein change: p.Ser1489Pro; replaces serine 1489 with proline.
Molecular consequence: missense variant.
Genome position (GRCh38, 1-based): chr20:32,437,177, T>C. VCF-style: chr20-32437177-T-C. GRCh37 (hg19) VCF-style: chr20-31024980-T-C.
Other names: c.4282T>C, p.Ser1428Pro (NM_001363734.1); short protein forms S1428P, S1489P.
Identifiers: ClinVar variation 2041783 (VCV002041783.4), dbSNP rs776986293, ClinGen allele CA313926394.